The following is an entry in ClinVar:

NM_001486.4(GCKR):c.559G>T (p.Val187Leu)

Gene: GCKR (glucokinase regulator; plus strand). Cytogenetic location: 2p23.3.
Variant type: single nucleotide variant.
Coding change: c.559G>T on transcript NM_001486.4 (MANE Select); coding-DNA position 559, G replaced by T.
Protein change: p.Val187Leu; replaces valine 187 with leucine.
Molecular consequence: missense variant.
Genome position (GRCh38, 1-based): chr2:27,501,144, G>T. VCF-style: chr2-27501144-G-T. GRCh37 (hg19) VCF-style: chr2-27724011-G-T.
Other names: short protein forms V187L.
Identifiers: ClinVar variation 2612234 (VCV002612234.5), dbSNP rs779995020, ClinGen allele CA1581627.
Genomic context (GRCh38, chr2:27,501,144, plus strand): 5'-CACTCAGAGTAATGACCCCCTCATCATGCCCTTCTCTCTCTTCACCATCAGGCTCCCTTT[G>T]TGGCAGGCCAGATGGACTGCTGCATGAACAACACAGCTGTCTTCTTGCCAGTCCTGGTTG-3'
Protein context (NP_001477.2, residues 177-197): GISVGLSAPF[Val187Leu]AGQMDCCMNN

ClinVar aggregate classification (germline): Uncertain significance. Review status: criteria provided, multiple submitters, no conflicts (2 of 4 stars). 2 submissions from 2 submitters: Uncertain significance (2). Last evaluated 2023-07-17.

Allele frequency attached by ClinVar (database versions not stated): ExAC 0.00001.
gnomAD v4.1: 4 of 1,612,798 alleles (0.00025%); highest among the groups gnomAD compares: Non-Finnish European, 0.00034%; no homozygotes.

Submissions (2):

Ambry Genetics
Classification: Uncertain significance. Last evaluated: 2023-07-17. Review status: criteria provided, single submitter. Criteria: Ambry Variant Classification Scheme 2023. Collection method: clinical testing. Allele origin: germline.

Labcorp Genetics (formerly Invitae), Labcorp
Classification: Uncertain significance. Last evaluated: 2023-05-01. Review status: criteria provided, single submitter. Criteria: Invitae Variant Classification Sherloc (09022015). Collection method: clinical testing. Allele origin: germline.
Comment: This sequence change replaces valine, which is neutral and non-polar, with leucine, which is neutral and non-polar, at codon 187 of the GCKR protein (p.Val187Leu). This variant is present in population databases (rs779995020, gnomAD 0.002%). This variant has not been reported in the literature in individuals affected with GCKR-related conditions. Advanced modeling of protein sequence and biophysical properties (such as structural, functional, and spatial information, amino acid conservation, physicochemical variation, residue mobility, and thermodynamic stability) performed at Invitae indicates that this missense variant is expected to disrupt GCKR protein function. In summary, the available evidence is currently insufficient to determine the role of this variant in disease. Therefore, it has been classified as a Variant of Uncertain Significance.